The following is an entry in ClinVar:

NM_002941.4(ROBO1):c.2665C>G (p.Gln889Glu)

Gene: ROBO1 (roundabout guidance receptor 1; minus strand). Cytogenetic location: 3p12.3.
Variant type: single nucleotide variant.
Coding change: c.2665C>G on transcript NM_002941.4 (MANE Select); coding-DNA position 2665, C replaced by G.
Protein change: p.Gln889Glu; replaces glutamine 889 with glutamic acid.
Molecular consequence: missense variant.
Genome position (GRCh38, 1-based): chr3:78,651,879, G>C on the plus strand (C>G on the coding strand, the complement: ROBO1 is on the minus strand). VCF-style: chr3-78651879-G-C. GRCh37 (hg19) VCF-style: chr3-78701029-G-C.
Other names: c.2557C>G, p.Gln853Glu (NM_001145845.2, NM_133631.4); c.2665C>G (NM_002941.3); short protein forms Q853E, Q889E.
Identifiers: ClinVar variation 1174933 (VCV001174933.11), dbSNP rs202189901, ClinGen allele CA2498611.

ClinVar aggregate classification (germline): Uncertain significance. Review status: criteria provided, multiple submitters, no conflicts (2 of 4 stars). 5 submissions from 5 submitters: Uncertain significance (3). 2 of the submissions do not count toward it. Last evaluated 2025-11-26.

Conditions:
ROBO1-related disorder. Also called: ROBO1-related condition.
Inborn genetic diseases. Identifiers: MedGen C0950123, MeSH D030342.

Allele frequency attached by ClinVar (database versions not stated): gnomAD exomes 0.00016; ExAC 0.00018; TOPMed 0.00020; gnomAD 0.00021 and 0.00023; ESP Exome Variant Server 0.00056.
gnomAD v4.1: 530 of 1,613,594 alleles (0.033%); highest among the groups gnomAD compares: Non-Finnish European, 0.041%; no homozygotes.

Submissions (5):

Labcorp Genetics (formerly Invitae), Labcorp
Classification: Uncertain significance. Last evaluated: 2025-11-26. Review status: criteria provided, single submitter. Criteria: Invitae Variant Classification Sherloc (09022015). Collection method: clinical testing. Allele origin: germline.
Comment: This sequence change replaces glutamine, which is neutral and polar, with glutamic acid, which is acidic and polar, at codon 889 of the ROBO1 protein (p.Gln889Glu). This variant is present in population databases (rs202189901, gnomAD 0.03%). This variant has not been reported in the literature in individuals affected with ROBO1-related conditions. ClinVar contains an entry for this variant (Variation ID: 1174933). Invitae Evidence Modeling of protein sequence and biophysical properties (such as structural, functional, and spatial information, amino acid conservation, physicochemical variation, residue mobility, and thermodynamic stability) indicates that this missense variant is not expected to disrupt ROBO1 protein function with a negative predictive value of 95%. In summary, the available evidence is currently insufficient to determine the role of this variant in disease. Therefore, it has been classified as a Variant of Uncertain Significance.

Ambry Genetics
Classification: Uncertain significance for Inborn genetic diseases. Last evaluated: 2024-11-15. Review status: criteria provided, single submitter. Criteria: Ambry Variant Classification Scheme 2023. Collection method: clinical testing. Allele origin: germline.

PreventionGenetics, part of Exact Sciences
Classification: Uncertain significance for ROBO1-related condition. Last evaluated: 2024-10-17. Review status: criteria provided, single submitter. Criteria: ACMG Guidelines, 2015. Collection method: clinical testing. Allele origin: germline.
Comment: The ROBO1 c.2665C>G variant is predicted to result in the amino acid substitution p.Gln889Glu. To our knowledge, this variant has not been reported in the literature. This variant is reported in 0.023% of alleles in individuals of European (Non-Finnish) descent in gnomAD. At this time, the clinical significance of this variant is uncertain due to the absence of conclusive functional and genetic evidence.

Clinical Genetics DNA and cytogenetics Diagnostics Lab, Erasmus MC, Erasmus Medical Center
Classification: Uncertain significance. Review status: no assertion criteria provided. Collection method: clinical testing. Allele origin: germline. Affected: yes. Study: VKGL Data-share Consensus. Not counted in ClinVar's aggregate classification.

Diagnostic Laboratory, Department of Genetics, University Medical Center Groningen
Classification: Uncertain significance. Review status: no assertion criteria provided. Collection method: clinical testing. Allele origin: germline. Affected: yes. Study: VKGL Data-share Consensus. Not counted in ClinVar's aggregate classification.